The following is an entry in ClinVar:

ClinVar aggregate classification (germline): Likely benign. Review status: criteria provided, multiple submitters, no conflicts (2 of 4 stars). 2 submissions from 2 submitters: Likely benign (2). Last evaluated 2018-06-16.

Allele frequency attached by ClinVar (database versions not stated): 1000 Genomes Project 0.00539; 1000 Genomes Project 30x 0.00547; TOPMed 0.01048; gnomAD 0.01102 and 0.01104; gnomAD exomes 0.01178 and 0.01651; ESP Exome Variant Server 0.01289; ExAC 0.01294.
gnomAD v4.1: 25,560 of 1,613,852 alleles (1.6%); highest among the groups gnomAD compares: Non-Finnish European, 1.9%; 238 homozygotes.

Submissions (2):

GeneDx
Classification: Likely benign. Last evaluated: 2018-06-16. Review status: criteria provided, single submitter. Criteria: GeneDx Variant Classification (06012015). Collection method: clinical testing. Allele origin: germline. Affected: yes.
Comment: This variant is considered likely benign or benign based on one or more of the following criteria: it is a conservative change, it occurs at a poorly conserved position in the protein, it is predicted to be benign by multiple in silico algorithms, and/or has population frequency not consistent with disease.

Breakthrough Genomics
Classification: Likely benign. Review status: criteria provided, single submitter. Criteria: ACMG Guidelines, 2015. Collection method: not provided. Allele origin: germline. Inheritance: Autosomal recessive inheritance. Affected: yes.

NM_005219.5(DIAPH1):c.3662-24A>G

Gene: DIAPH1 (diaphanous related formin 1; minus strand). Cytogenetic location: 5q31.3.
Variant type: single nucleotide variant.
Coding change: c.3662-24A>G on transcript NM_005219.5 (MANE Select); 24 bases into the intron before coding-DNA position 3662, A replaced by G.
Molecular consequence: intron variant.
Genome position (GRCh38, 1-based): chr5:141,517,032, T>C on the plus strand (A>G on the coding strand, the complement: DIAPH1 is on the minus strand). VCF-style: chr5-141517032-T-C. GRCh37 (hg19) VCF-style: chr5-140896599-T-C.
Other names: c.3635-24A>G (NM_001079812.3); c.3715-24A>G (NM_001314007.2).
Identifiers: ClinVar variation 683199 (VCV000683199.2), dbSNP rs72790081, ClinGen allele CA3478691.